The following is an entry in ClinVar:

NM_145886.4(PIDD1):c.2010G>A (p.Ala670=)

Gene: PIDD1 (p53-induced death domain protein 1; minus strand). Cytogenetic location: 11p15.5.
Variant type: single nucleotide variant.
Coding change: c.2010G>A on transcript NM_145886.4 (MANE Select); coding-DNA position 2010, G replaced by A.
Protein change: p.Ala670=; no amino-acid change (alanine 670 retained).
Molecular consequence: synonymous variant.
Genome position (GRCh38, 1-based): chr11:800,574, C>T on the plus strand (G>A on the coding strand, the complement: PIDD1 is on the minus strand). VCF-style: chr11-800574-C-T. GRCh37 (hg19) VCF-style: chr11-800574-C-T.
Other names: c.2010G>A, p.Ala670= (NM_145887.4).
Identifiers: ClinVar variation 3058760 (VCV003058760.2), dbSNP rs117481321, ClinGen allele CA5789806.

ClinVar aggregate classification (germline): Likely benign (0 of 4 stars; one submission).

Conditions:
PIDD1-related disorder. Also called: PIDD1-related condition.

Allele frequency attached by ClinVar (database versions not stated): ExAC 0.00002; gnomAD exomes 0.00002; gnomAD 0.00004; TOPMed 0.00006; ESP Exome Variant Server 0.00008; 1000 Genomes Project 0.00020; 1000 Genomes Project 30x 0.00031.
gnomAD v4.1: 28 of 1,569,390 alleles (0.0018%); highest among the groups gnomAD compares: African/African-American, 0.0056%; no homozygotes.

Submission:

PreventionGenetics, part of Exact Sciences
Classification: Likely benign for PIDD1-related condition. Last evaluated: 2019-04-01. Review status: no assertion criteria provided. Collection method: clinical testing. Allele origin: germline.
Comment: This variant is classified as likely benign based on ACMG/AMP sequence variant interpretation guidelines (Richards et al. 2015 PMID: 25741868, with internal and published modifications).